The following is an entry in ClinVar:

NM_182961.4(SYNE1):c.21880G>A (p.Gly7294Ser)

Gene: SYNE1 (spectrin repeat containing nuclear envelope protein 1; minus strand). Cytogenetic location: 6q25.2.
Variant type: single nucleotide variant.
Coding change: c.21880G>A on transcript NM_182961.4 (MANE Select); coding-DNA position 21880, G replaced by A.
Protein change: p.Gly7294Ser; replaces glycine 7294 with serine.
Molecular consequence: missense variant.
Genome position (GRCh38, 1-based): chr6:152,219,167, C>T on the plus strand (G>A on the coding strand, the complement: SYNE1 is on the minus strand). VCF-style: chr6-152219167-C-T. GRCh37 (hg19) VCF-style: chr6-152540302-C-T.
Other names: c.21667G>A, p.Gly7223Ser (NM_033071.5); short protein forms G7223S, G7294S.
Identifiers: ClinVar variation 3748734 (VCV003748734.2).
Genomic context (GRCh38, chr6:152,219,167, plus strand): 5'-CTTGTTGCTTCAGTTGCTCTCCCAGCTCATGGAGAAAAAAGAGGGAATCTTTAACTGTGC[C>T]CAGTCCTTTGAGGAGGTCCTAGAAGAGGTGAAAATATGCCCACTCTGAAGCATGTTGATA-3'
Protein context (NP_892006.3, residues 7284-7304): QDCNDLLKGL[Gly7294Ser]TVKDSLFFLH

ClinVar aggregate classification (germline): Uncertain significance (1 of 4 stars; one submission).

Conditions:
Emery-Dreifuss muscular dystrophy 4, autosomal dominant (EDMD4). Also called: EMERY-DREIFUSS MUSCULAR DYSTROPHY 4 WITH VARIABLE FEATURES. Identifiers: Orphanet 261, MedGen C2751807, MONDO:0013071, OMIM 612998.
Autosomal recessive ataxia, Beauce type. Also called: Spinocerebellar ataxia, autosomal recessive 8; ATAXIA, RECESSIVE, OF BEAUCE; SYNE1-Related Autosomal Recessive Cerebellar Ataxia; SYNE1 Deficiency. Identifiers: Orphanet 88644, MedGen C1853116, MONDO:0012549, OMIM 610743.

gnomAD v4.1: 1 of 1,613,926 alleles (0.000062%); highest among the groups gnomAD compares: Non-Finnish European, 0.000085%; no homozygotes.

Submission:

Labcorp Genetics (formerly Invitae), Labcorp
Classification: Uncertain significance for Emery-Dreifuss muscular dystrophy 4, autosomal dominant; Autosomal recessive ataxia, Beauce type. Last evaluated: 2025-01-14. Review status: criteria provided, single submitter. Criteria: Invitae Variant Classification Sherloc (09022015). Collection method: clinical testing. Allele origin: germline.
Comment: This sequence change replaces glycine, which is neutral and non-polar, with serine, which is neutral and polar, at codon 7223 of the SYNE1 protein (p.Gly7223Ser). This variant is not present in population databases (gnomAD no frequency). This variant has not been reported in the literature in individuals affected with SYNE1-related conditions. An algorithm developed to predict the effect of missense changes on protein structure and function (PolyPhen-2) suggests that this variant is likely to be tolerated. In summary, the available evidence is currently insufficient to determine the role of this variant in disease. Therefore, it has been classified as a Variant of Uncertain Significance.